The following is an entry in ClinVar:

ClinVar aggregate classification (germline): Uncertain significance. Review status: criteria provided, multiple submitters, no conflicts (2 of 4 stars). 3 submissions from 3 submitters: Uncertain significance (3). Last evaluated 2022-02-24.

Conditions:
Kufor-Rakeb syndrome (KRS). Also called: PARKINSON DISEASE 9, AUTOSOMAL RECESSIVE, JUVENILE-ONSET. Identifiers: Orphanet 306674, Orphanet 314632, MedGen C1847640, MONDO:0011706, OMIM 606693.
Autosomal recessive spastic paraplegia type 78. Identifiers: Orphanet 513436, MedGen C5567893, MONDO:0014975, OMIM 617225.
Inborn genetic diseases. Identifiers: MedGen C0950123, MeSH D030342.

Allele frequency attached by ClinVar (database versions not stated): ExAC 0.00002; TOPMed 0.00002.
gnomAD v4.1: 56 of 1,613,686 alleles (0.0035%); highest among the groups gnomAD compares: Non-Finnish European, 0.0044%; no homozygotes.

Submissions (3):

Labcorp Genetics (formerly Invitae), Labcorp
Classification: Uncertain significance for Kufor-Rakeb syndrome; Autosomal recessive spastic paraplegia type 78. Last evaluated: 2022-02-24. Review status: criteria provided, single submitter. Criteria: Invitae Variant Classification Sherloc (09022015). Collection method: clinical testing. Allele origin: germline.
Comment: In summary, the available evidence is currently insufficient to determine the role of this variant in disease. Therefore, it has been classified as a Variant of Uncertain Significance. Algorithms developed to predict the effect of missense changes on protein structure and function are either unavailable or do not agree on the potential impact of this missense change (SIFT: "Deleterious"; PolyPhen-2: "Probably Damaging"; Align-GVGD: "Class C0"). ClinVar contains an entry for this variant (Variation ID: 876341). This variant has not been reported in the literature in individuals affected with ATP13A2-related conditions. This variant is present in population databases (rs776148733, gnomAD 0.004%). This sequence change replaces valine, which is neutral and non-polar, with glycine, which is neutral and non-polar, at codon 976 of the ATP13A2 protein (p.Val976Gly).

Illumina Laboratory Services, Illumina
Classification: Uncertain significance for Kufor-Rakeb syndrome. Last evaluated: 2018-01-13. Review status: criteria provided, single submitter. Criteria: ICSL Variant Classification Criteria 13 December 2019. Collection method: clinical testing. Allele origin: germline.

Ambry Genetics
Classification: Uncertain significance for Inborn genetic diseases. Last evaluated: 2017-05-31. Review status: criteria provided, single submitter. Criteria: Ambry Variant Classification Scheme 2023. Collection method: clinical testing. Allele origin: germline.
Comment: The p.V976G variant (also known as c.2927T>G), located in coding exon 26 of the ATP13A2 gene, results from a T to G substitution at nucleotide position 2927. The valine at codon 976 is replaced by glycine, an amino acid with dissimilar properties. This amino acid position is well conserved in available vertebrate species. In addition, this alteration is predicted to be deleterious by in silico analysis. Since supporting evidence is limited at this time, the clinical significance of this alteration remains unclear.

NM_022089.4(ATP13A2):c.2927T>G (p.Val976Gly)

Gene: ATP13A2 (ATPase cation transporting 13A2; minus strand). Cytogenetic location: 1p36.13.
Variant type: single nucleotide variant.
Coding change: c.2927T>G on transcript NM_022089.4 (MANE Select); coding-DNA position 2927, T replaced by G.
Protein change: p.Val976Gly; replaces valine 976 with glycine.
Molecular consequence: missense variant.
Genome position (GRCh38, 1-based): chr1:16,987,202, A>C on the plus strand (T>G on the coding strand, the complement: ATP13A2 is on the minus strand). VCF-style: chr1-16987202-A-C. GRCh37 (hg19) VCF-style: chr1-17313697-A-C.
Other names: c.2912T>G, p.Val971Gly (NM_001141973.3); c.2795T>G, p.Val932Gly (NM_001141974.3); short protein forms V932G, V976G, V971G.
Identifiers: ClinVar variation 876341 (VCV000876341.11), dbSNP rs776148733, ClinGen allele CA636664.